The following is an entry in ClinVar:

ClinVar aggregate classification (germline): Uncertain significance (1 of 4 stars; one submission).

Conditions:
MHC class I deficiency. Identifiers: Orphanet 34592, MedGen C6024714, MONDO:0011476.

Allele frequency attached by ClinVar (database versions not stated): gnomAD exomes below 0.00001; ExAC 0.00001.
gnomAD v4.1: 1 of 1,612,986 alleles (0.000062%); highest among the groups gnomAD compares: East Asian, 0.0022%; no homozygotes.

Submission:

Labcorp Genetics (formerly Invitae), Labcorp
Classification: Uncertain significance for MHC class I deficiency 1. Last evaluated: 2024-02-17. Review status: criteria provided, single submitter. Criteria: Invitae Variant Classification Sherloc (09022015). Collection method: clinical testing. Allele origin: germline.
Comment: This sequence change replaces serine, which is neutral and polar, with phenylalanine, which is neutral and non-polar, at codon 445 of the TAP2 protein (p.Ser445Phe). This variant is present in population databases (rs769683724, gnomAD 0.006%). This variant has not been reported in the literature in individuals affected with TAP2-related conditions. ClinVar contains an entry for this variant (Variation ID: 575772). Experimental studies and prediction algorithms are not available or were not evaluated, and the functional significance of this variant is currently unknown. In summary, the available evidence is currently insufficient to determine the role of this variant in disease. Therefore, it has been classified as a Variant of Uncertain Significance.

NM_001290043.2(TAP2):c.1334C>T (p.Ser445Phe)

Gene: TAP2 (transporter 2, ATP binding cassette subfamily B member; minus strand). Cytogenetic location: 6p21.32.
Variant type: single nucleotide variant.
Coding change: c.1334C>T on transcript NM_001290043.2 (MANE Select); coding-DNA position 1334, C replaced by T.
Protein change: p.Ser445Phe; replaces serine 445 with phenylalanine.
Molecular consequence: missense variant.
Genome position (GRCh38, 1-based): chr6:32,830,745, G>A on the plus strand (C>T on the coding strand, the complement: TAP2 is on the minus strand). VCF-style: chr6-32830745-G-A. GRCh37 (hg19) VCF-style: chr6-32798522-G-A.
Other names: c.1334C>T, p.Ser445Phe (NM_000544.3, NM_018833.3); short protein forms S445F.
Identifiers: ClinVar variation 575772 (VCV000575772.8), dbSNP rs769683724, ClinGen allele CA3745934.